The following is an entry in ClinVar:

NM_213599.3(ANO5):c.751C>T (p.Pro251Ser)

Gene: ANO5 (anoctamin 5; plus strand). Cytogenetic location: 11p14.3.
Variant type: single nucleotide variant.
Coding change: c.751C>T on transcript NM_213599.3 (MANE Select); coding-DNA position 751, C replaced by T.
Protein change: p.Pro251Ser; replaces proline 251 with serine.
Molecular consequence: missense variant.
Genome position (GRCh38, 1-based): chr11:22,236,265, C>T. VCF-style: chr11-22236265-C-T. GRCh37 (hg19) VCF-style: chr11-22257811-C-T.
Other names: NM_213599.3(ANO5):c.751C>T; p.Pro251Ser; c.748C>T, p.Pro250Ser (NM_001142649.2); c.751C>T (NM_213599.2); short protein forms P250S, P251S.
Identifiers: ClinVar variation 1488412 (VCV001488412.12), dbSNP rs2133648746, ClinGen allele CA379920329.
Genomic context (GRCh38, chr11:22,236,265, plus strand): 5'-GGGAAGAAAAGGTTTGGGATTGAAAGACTGCTAAACTCTAACACTTACTCATCTGCCTAT[C>T]CACTCCATGATGTATGTATAGGTTTGATTGTGAAAATCTGAGCTTATTTTCCTCCTGCCA-3'
Protein context (NP_998764.1, residues 241-261): LNSNTYSSAY[Pro251Ser]LHDGQYWKPS

ClinVar aggregate classification (germline): Uncertain significance. Review status: reviewed by expert panel (3 of 4 stars). 3 submissions from 3 submitters: Uncertain significance (1). 2 of the submissions do not count toward it. Last evaluated 2026-03-13.

Conditions:
Gnathodiaphyseal dysplasia (GDD). Also called: GNATHODIAPHYSEAL SCLEROSIS; OSTEOGENESIS IMPERFECTA WITH UNUSUAL SKELETAL LESIONS. Identifiers: Orphanet 53697, MedGen C1833736, MONDO:0008151, OMIM 166260.
Autosomal recessive limb-girdle muscular dystrophy type 2L (LGMDR12). Also called: Limb-girdle muscular dystrophy, type 2L; MUSCULAR DYSTROPHY, LIMB-GIRDLE, AUTOSOMAL RECESSIVE 12; Limb-Girdle Muscular Dystrophy R12 Anoctamin-5-Related (LGMD-R12). Identifiers: Orphanet 206549, MedGen C1969785, MONDO:0012652, OMIM 611307.
Autosomal recessive limb-girdle muscular dystrophy. Identifiers: Orphanet 102015, MedGen C2931907, MONDO:0015152.

Submissions (3):

ClinGen Limb Girdle Muscular Dystrophy Variant Curation Expert Panel, ClinGen
Classification: Uncertain significance for Autosomal recessive limb-girdle muscular dystrophy. Last evaluated: 2026-03-13. Review status: reviewed by expert panel. Criteria: ClinGen LGMD VCEP ACMG Specifications ANO5 V2.0.0. Collection method: curation. Allele origin: germline. Inheritance: Autosomal recessive inheritance.
Comment: The NM_213599.3: c.751G>T variant in ANO5 is a missense variant expected to cause the substitution of proline with serine at position 251, p.(Pro251Ser). This variant has been reported in one individual with a clinical suspicion of LGMD, where it was identified in unconfirmed phase with a pathogenic variant (c.108_109del p.(Glu36AspfsTer7), 0.5 pts, PMID: 37688281) (PM3_Supporting, PP4). This variant is absent from gnomAD v4.1.0 in a region with good sequencing coverage (PM2_Supporting). The computational predictor REVEL gives a score of 0.75, which exceeds the VCEP threshold of ≥0.70, evidence that correlates with impact to ANO5 function (PP3). In summary, there is currently insufficient evidence to classify this variant as pathogenic or benign, and it remains a variant of uncertain significance for autosomal recessive limb girdle muscular dystrophy based on the ACMG/AMP criteria applied, as specified by the ClinGen LGMD VCEP (LGMD VCEP specifications version 2.0.0; 03/13/2026): PM3_Supporting, PP4, PM2_Supporting, PP3.

Labcorp Genetics (formerly Invitae), Labcorp
Classification: Uncertain significance for Autosomal recessive limb-girdle muscular dystrophy type 2L; Gnathodiaphyseal dysplasia. Last evaluated: 2024-04-10. Review status: criteria provided, single submitter. Criteria: Invitae Variant Classification Sherloc (09022015). Collection method: clinical testing. Allele origin: germline. Not counted in ClinVar's aggregate classification.
Comment: This sequence change replaces proline, which is neutral and non-polar, with serine, which is neutral and polar, at codon 251 of the ANO5 protein (p.Pro251Ser). This variant is not present in population databases (gnomAD no frequency). This variant has not been reported in the literature in individuals affected with ANO5-related conditions. ClinVar contains an entry for this variant (Variation ID: 1488412). Advanced modeling of protein sequence and biophysical properties (such as structural, functional, and spatial information, amino acid conservation, physicochemical variation, residue mobility, and thermodynamic stability) performed at Invitae indicates that this missense variant is expected to disrupt ANO5 protein function with a positive predictive value of 95%. In summary, the available evidence is currently insufficient to determine the role of this variant in disease. Therefore, it has been classified as a Variant of Uncertain Significance.

Revvity Omics, Revvity
Classification: Uncertain significance. Last evaluated: 2021-04-12. Review status: criteria provided, single submitter. Criteria: ACMG Guidelines, 2015. Collection method: clinical testing. Allele origin: germline. Not counted in ClinVar's aggregate classification.